The following is an entry in ClinVar:

ClinVar aggregate classification (germline): Benign. Review status: criteria provided, multiple submitters, no conflicts (2 of 4 stars). 8 submissions from 8 submitters: Benign (6). 2 of the submissions do not count toward it. Last evaluated 2026-02-03.

Conditions:
Familial steroid-resistant nephrotic syndrome with sensorineural deafness. Identifiers: Orphanet 280406, MedGen C3553349, MONDO:0013836, OMIM 614650.

Allele frequency attached by ClinVar (database versions not stated): ExAC 0.32813; gnomAD exomes 0.39292 and 0.33440; 1000 Genomes Project 30x 0.18395; 1000 Genomes Project 0.18490; gnomAD 0.30516 and 0.30144; TOPMed 0.28064; ESP Exome Variant Server 0.30301.
gnomAD v4.1: 618,552 of 1,613,646 alleles (38%); highest among the groups gnomAD compares: Non-Finnish European, 43%; 127,676 homozygotes.

Submissions (8):

Labcorp Genetics (formerly Invitae), Labcorp
Classification: Benign. Last evaluated: 2026-02-03. Review status: criteria provided, single submitter. Criteria: Invitae Variant Classification Sherloc (09022015). Collection method: clinical testing. Allele origin: germline.

Blueprint Genetics
Classification: Benign. Last evaluated: 2024-11-27. Review status: criteria provided, single submitter. Criteria: ACMG Guidelines, 2015. Collection method: clinical testing. Allele origin: germline.

Unidad de Genómica Garrahan, Hospital de Pediatría Garrahan
Classification: Benign. Last evaluated: 2024-07-15. Review status: criteria provided, single submitter. Criteria: ACMG Guidelines, 2015. Collection method: clinical testing. Allele origin: germline. Affected: no. Observed: 48 variant alleles.
Comment: This variant is classified as Benign based on local population frequency. This variant was detected in 52% of patients studied in a panel designed for Epileptic and Developmental Encephalopathy and Progressive Myoclonus Epilepsy. Number of patients: 48. Only high quality variants are reported.

Genome-Nilou Lab
Classification: Benign for Familial steroid-resistant nephrotic syndrome with sensorineural deafness. Last evaluated: 2021-07-30. Review status: criteria provided, single submitter. Criteria: ACMG Guidelines, 2015. Collection method: clinical testing. Allele origin: germline. Affected: no.

GeneDx
Classification: Benign. Last evaluated: 2013-09-05. Review status: criteria provided, single submitter. Criteria: GeneDx Variant Classification (06012015). Collection method: clinical testing. Allele origin: germline. Affected: yes.
Comment: This variant is considered likely benign or benign based on one or more of the following criteria: it is a conservative change, it occurs at a poorly conserved position in the protein, it is predicted to be benign by multiple in silico algorithms, and/or has population frequency not consistent with disease.

Breakthrough Genomics
Classification: Benign. Review status: criteria provided, single submitter. Criteria: ACMG Guidelines, 2015. Collection method: not provided. Allele origin: germline. Inheritance: Autosomal recessive inheritance. Affected: yes.

Mayo Clinic Laboratories, Mayo Clinic
Classification: Benign. Last evaluated: 2016-02-19. Review status: no assertion criteria provided. Collection method: clinical testing. Allele origin: unknown. Not counted in ClinVar's aggregate classification.

Genetic Services Laboratory, University of Chicago
Classification: Likely benign for AllHighlyPenetrant. Review status: no assertion criteria provided. Collection method: clinical testing. Allele origin: germline. Inheritance: Autosomal recessive inheritance. Not counted in ClinVar's aggregate classification.
Comment: Likely benign based on allele frequency in 1000 Genomes Project or ESP global frequency and its presence in a patient with a rare or unrelated disease phenotype. NOT Sanger confirmed.

NM_182476.3(COQ6):c.570T>C (p.His190=)

Genes: COQ6 (coenzyme Q6, monooxygenase; plus strand), ENTPD5 (ectonucleoside triphosphate diphosphohydrolase 5; minus strand). Cytogenetic location: 14q24.3.
Variant type: single nucleotide variant.
Coding change: c.570T>C on transcript NM_182476.3 (MANE Select); coding-DNA position 570, T replaced by C.
Protein change: p.His190=; no amino-acid change (histidine 190 retained).
Molecular consequence: synonymous variant. On other transcripts: 3 prime UTR variant (3), intron variant (5).
Genome position (GRCh38, 1-based): chr14:73,958,235, T>C. VCF-style: chr14-73958235-T-C. GRCh37 (hg19) VCF-style: chr14-74424938-T-C.
Other names: p.H190H:CAT>CAC; c.570T>C, p.His190= (NM_001425255.1, NM_001425256.1); c.405T>C, p.His135= (NM_001425257.1); c.495T>C, p.His165= (NM_001425258.1, NM_182480.3); c.345T>C, p.His115= (NM_001425259.1, NM_001425260.1, NM_001425261.1); c.243T>C, p.His81= (NM_001425263.1); c.*1295A>G (NM_001330189.2, NM_001382259.1, NM_001382260.1); c.73-736T>C (NM_001425265.1, NM_001425264.1); and 3 more.
Identifiers: ClinVar variation 128835 (VCV000128835.24), dbSNP rs3180946, ClinGen allele CA288771.